The following is an entry in ClinVar:

NM_032119.4(ADGRV1):c.8566+90C>T

Gene: ADGRV1 (adhesion G protein-coupled receptor V1; plus strand). Cytogenetic location: 5q14.3.
Variant type: single nucleotide variant.
Coding change: c.8566+90C>T on transcript NM_032119.4 (MANE Select); 90 bases into the intron after coding-DNA position 8566, C replaced by T.
Molecular consequence: intron variant.
Genome position (GRCh38, 1-based): chr5:90,705,669, C>T. VCF-style: chr5-90705669-C-T. GRCh37 (hg19) VCF-style: chr5-90001486-C-T.
Identifiers: ClinVar variation 678876 (VCV000678876.1), dbSNP rs7700557, ClinGen allele CA122802991.

ClinVar aggregate classification (germline): Benign (1 of 4 stars; one submission).

Allele frequency attached by ClinVar (database versions not stated): gnomAD exomes 0.00205; gnomAD 0.02098 and 0.02251; 1000 Genomes Project 0.02296; TOPMed 0.02319; 1000 Genomes Project 30x 0.02405.
gnomAD v4.1: 4,967 of 990,268 alleles (0.5%); highest among the groups gnomAD compares: African/African-American, 7.2%; 155 homozygotes.

Submission:

GeneDx
Classification: Benign. Last evaluated: 2018-06-14. Review status: criteria provided, single submitter. Criteria: GeneDx Variant Classification (06012015). Collection method: clinical testing. Allele origin: germline. Affected: yes.
Comment: This variant is considered likely benign or benign based on one or more of the following criteria: it is a conservative change, it occurs at a poorly conserved position in the protein, it is predicted to be benign by multiple in silico algorithms, and/or has population frequency not consistent with disease.